The following is an entry in ClinVar:

NM_000052.7(ATP7A):c.1857C>G (p.Ile619Met)

Gene: ATP7A (ATPase copper transporting alpha; plus strand). Cytogenetic location: Xq21.1.
Variant type: single nucleotide variant.
Coding change: c.1857C>G on transcript NM_000052.7 (MANE Select); coding-DNA position 1857, C replaced by G.
Protein change: p.Ile619Met; replaces isoleucine 619 with methionine.
Molecular consequence: missense variant.
Genome position (GRCh38, 1-based): chrX:78,009,251, C>G. VCF-style: chrX-78009251-C-G. GRCh37 (hg19) VCF-style: chrX-77264748-C-G.
Other names: c.1857C>G, p.Ile619Met (NM_001282224.2); short protein forms I619M.
Identifiers: ClinVar variation 1781425 (VCV001781425.7), dbSNP rs782818837, ClinGen allele CA10459118.

ClinVar aggregate classification (germline): Conflicting classifications of pathogenicity. Review status: criteria provided, conflicting classifications (1 of 4 stars). 2 submissions from 2 submitters: Uncertain significance (1); Likely benign (1). Last evaluated 2025-10-02.

Conditions:
Inborn genetic diseases. Identifiers: MedGen C0950123, MeSH D030342.
Cutis laxa, X-linked (OHS). Also called: EDS IX; Occipital horn syndrome. Identifiers: Orphanet 198, MedGen C0268353, MONDO:0010572, OMIM 304150.
Menkes kinky-hair syndrome (MNK). Also called: Classic Menkes Disease; Copper transport disease; Menkes Disease. Identifiers: Orphanet 565, MedGen C0022716, MONDO:0010651, OMIM 309400.
X-linked distal spinal muscular atrophy type 3. Also called: NEURONOPATHY, DISTAL HEREDITARY MOTOR, X-LINKED; NEUROPATHY, DISTAL HEREDITARY MOTOR, X-LINKED; ATP7A-Related Distal Motor Neuropathy; SPINAL MUSCULAR ATROPHY, DISTAL, X-LINKED RECESSIVE. Identifiers: Orphanet 139557, MedGen C1845359, MONDO:0010338, OMIM 300489.

Allele frequency attached by ClinVar (database versions not stated): gnomAD exomes below 0.00001; ExAC 0.00001.
gnomAD v4.1: 3 of 1,209,243 alleles (0.00025%); highest among the groups gnomAD compares: South Asian, 0.0018%; no homozygotes.

Submissions (2):

Labcorp Genetics (formerly Invitae), Labcorp
Classification: Likely benign for X-linked distal spinal muscular atrophy type 3; Cutis laxa, X-linked; Menkes kinky-hair syndrome. Last evaluated: 2025-10-02. Review status: criteria provided, single submitter. Criteria: Invitae Variant Classification Sherloc (09022015). Collection method: clinical testing. Allele origin: germline.

Ambry Genetics
Classification: Uncertain significance for Inborn genetic diseases. Last evaluated: 2021-12-14. Review status: criteria provided, single submitter. Criteria: Ambry Variant Classification Scheme 2023. Collection method: clinical testing. Allele origin: germline.
Comment: The p.I619M variant (also known as c.1857C>G), located in coding exon 6 of the ATP7A gene, results from a C to G substitution at nucleotide position 1857. The isoleucine at codon 619 is replaced by methionine, an amino acid with highly similar properties. This amino acid position is conserved. In addition, this alteration is predicted to be tolerated by in silico analysis. Since supporting evidence is limited at this time, the clinical significance of this alteration remains unclear.